The following is an entry in ClinVar:

ClinVar aggregate classification (germline): Uncertain significance. Review status: criteria provided, multiple submitters, no conflicts (2 of 4 stars). 3 submissions from 3 submitters: Uncertain significance (3). Last evaluated 2025-12-16.

Conditions:
Microcephaly 7, primary, autosomal recessive. Identifiers: Orphanet 2512, MedGen C2675187, MONDO:0012989, OMIM 612703.

Allele frequency attached by ClinVar (database versions not stated): TOPMed 0.00006; ExAC 0.00008; gnomAD exomes 0.00008 and 0.00014; ESP Exome Variant Server 0.00023.
gnomAD v4.1: 136 of 1,614,150 alleles (0.0084%); highest among the groups gnomAD compares: Non-Finnish European, 0.0064%; no homozygotes.

Submissions (3):

Labcorp Genetics (formerly Invitae), Labcorp
Classification: Uncertain significance. Last evaluated: 2025-12-16. Review status: criteria provided, single submitter. Criteria: Invitae Variant Classification Sherloc (09022015). Collection method: clinical testing. Allele origin: germline.
Comment: This sequence change replaces aspartic acid, which is acidic and polar, with glutamic acid, which is acidic and polar, at codon 631 of the STIL protein (p.Asp631Glu). This variant is present in population databases (rs373048037, gnomAD 0.1%). This variant has not been reported in the literature in individuals affected with STIL-related conditions. ClinVar contains an entry for this variant (Variation ID: 876725). Invitae Evidence Modeling of protein sequence and biophysical properties (such as structural, functional, and spatial information, amino acid conservation, physicochemical variation, residue mobility, and thermodynamic stability) indicates that this missense variant is not expected to disrupt STIL protein function with a negative predictive value of 80%. In summary, the available evidence is currently insufficient to determine the role of this variant in disease. Therefore, it has been classified as a Variant of Uncertain Significance.

Fulgent Genetics
Classification: Uncertain significance for Microcephaly 7, primary, autosomal recessive. Last evaluated: 2021-10-21. Review status: criteria provided, single submitter. Criteria: ACMG Guidelines, 2015. Collection method: clinical testing. Allele origin: unknown.

Illumina Laboratory Services, Illumina
Classification: Uncertain significance for Microcephaly 7, primary, autosomal recessive. Last evaluated: 2018-01-13. Review status: criteria provided, single submitter. Criteria: ICSL Variant Classification Criteria 13 December 2019. Collection method: clinical testing. Allele origin: germline.

NM_001048166.1(STIL):c.1893T>G (p.Asp631Glu)

Gene: STIL (STIL centriolar assembly protein; minus strand). Cytogenetic location: 1p33.
Variant type: single nucleotide variant.
Coding change: c.1893T>G on transcript NM_001048166.1 (MANE Select); coding-DNA position 1893, T replaced by G.
Protein change: p.Asp631Glu; replaces aspartic acid 631 with glutamic acid.
Molecular consequence: missense variant.
Genome position (GRCh38, 1-based): chr1:47,280,565, A>C on the plus strand (T>G on the coding strand, the complement: STIL is on the minus strand). VCF-style: chr1-47280565-A-C. GRCh37 (hg19) VCF-style: chr1-47746237-A-C.
Other names: c.1893T>G, p.Asp631Glu (NM_001282936.1, NM_001282937.1, NM_003035.2); c.1752T>G, p.Asp584Glu (NM_001282938.1, NM_001282939.1, NM_001377417.1); short protein forms D631E, D584E.
Identifiers: ClinVar variation 876725 (VCV000876725.10), dbSNP rs373048037, ClinGen allele CA842273.